The following is an entry in ClinVar:

NM_004655.4(AXIN2):c.1432del (p.His478fs)

Gene: AXIN2 (axin 2; minus strand). Cytogenetic location: 17q24.1.
Variant type: Deletion.
Coding change: c.1432del on transcript NM_004655.4 (MANE Select); coding-DNA position 1432, one base deleted (C; older notation c.1432delC).
Protein change: p.His478fs; shifts the reading frame from histidine 478.
Molecular consequence: frameshift variant.
Genome position (GRCh38, 1-based): chr17:65,537,604, G deleted on the plus strand (C on the coding strand, the reverse complement: AXIN2 is on the minus strand); the first of 2 consecutive G bases (chr17:65,537,604-65,537,605); deleting either gives the same sequence. VCF-style (leftmost placement, unchanged base first): chr17-65537603-TG-T. GRCh37 (hg19) VCF-style: chr17-63533721-TG-T.
Other names: c.1432del, p.His478fs (NM_001363813.1); short protein forms H478fs.
Identifiers: ClinVar variation 1372759 (VCV001372759.6), dbSNP rs2144462978, ClinGen allele CA2573154692.

ClinVar aggregate classification (germline): Pathogenic (1 of 4 stars; one submission).

Conditions:
Oligodontia-cancer predisposition syndrome. Also called: TOOTH AGENESIS-COLORECTAL CANCER SYNDROME. Identifiers: Orphanet 300576, MedGen C1837750, MONDO:0012075, OMIM 608615. Disease mechanism: loss of function.

Submission:

Labcorp Genetics (formerly Invitae), Labcorp
Classification: Pathogenic for Oligodontia-cancer predisposition syndrome. Last evaluated: 2021-10-19. Review status: criteria provided, single submitter. Criteria: Invitae Variant Classification Sherloc (09022015). Collection method: clinical testing. Allele origin: germline.
Comment: This sequence change creates a premature translational stop signal (p.His478Thrfs*29) in the AXIN2 gene. It is expected to result in an absent or disrupted protein product. Loss-of-function variants in AXIN2 are known to be pathogenic (PMID: 15042511, 21416598). For these reasons, this variant has been classified as Pathogenic. This variant has not been reported in the literature in individuals affected with AXIN2-related conditions. This variant is not present in population databases (ExAC no frequency).

Literature cited by the submitters: PubMed 15042511; PubMed 21416598.